The following is an entry in ClinVar:

NM_004369.4(COL6A3):c.1454C>T (p.Ala485Val)

Gene: COL6A3 (collagen type VI alpha 3 chain; minus strand). Cytogenetic location: 2q37.3.
Variant type: single nucleotide variant.
Coding change: c.1454C>T on transcript NM_004369.4 (MANE Select); coding-DNA position 1454, C replaced by T.
Protein change: p.Ala485Val; replaces alanine 485 with valine.
Molecular consequence: missense variant.
Genome position (GRCh38, 1-based): chr2:237,381,358, G>A on the plus strand (C>T on the coding strand, the complement: COL6A3 is on the minus strand). VCF-style: chr2-237381358-G-A. GRCh37 (hg19) VCF-style: chr2-238290001-G-A.
Other names: c.233C>T, p.Ala78Val (NM_057164.5, NM_057166.5); c.836C>T, p.Ala279Val (NM_057165.5, NM_057167.4); short protein forms A279V, A485V, A78V.
Identifiers: ClinVar variation 4802475 (VCV004802475.1).

ClinVar aggregate classification (germline): Uncertain significance (1 of 4 stars; one submission).

Conditions:
Bethlem myopathy 1A. Also called: MYOPATHY, BENIGN CONGENITAL, WITH CONTRACTURES; Bethlem myopathy 1; Bethlem Muscular Dystrophy. Identifiers: Orphanet 610, MedGen CN029274, MONDO:0024530, OMIM 158810.

Submission:

Labcorp Genetics (formerly Invitae), Labcorp
Classification: Uncertain significance for Bethlem myopathy 1A. Last evaluated: 2025-08-07. Review status: criteria provided, single submitter. Criteria: Invitae Variant Classification Sherloc (09022015). Collection method: clinical testing. Allele origin: germline.
Comment: This sequence change replaces alanine, which is neutral and non-polar, with valine, which is neutral and non-polar, at codon 485 of the COL6A3 protein (p.Ala485Val). This variant is not present in population databases (gnomAD no frequency). This variant has not been reported in the literature in individuals affected with COL6A3-related conditions. Invitae Evidence Modeling of protein sequence and biophysical properties (such as structural, functional, and spatial information, amino acid conservation, physicochemical variation, residue mobility, and thermodynamic stability) indicates that this missense variant is not expected to disrupt COL6A3 protein function with a negative predictive value of 95%. In summary, the available evidence is currently insufficient to determine the role of this variant in disease. Therefore, it has been classified as a Variant of Uncertain Significance.